The following is an entry in ClinVar:

ClinVar aggregate classification (germline): Uncertain significance (1 of 4 stars; one submission).

gnomAD v4.1: 3 of 1,491,018 alleles (0.0002%); highest among the groups gnomAD compares: Admixed American, 0.0053%; no homozygotes.

Submission:

Labcorp Genetics (formerly Invitae), Labcorp
Classification: Uncertain significance. Last evaluated: 2024-04-01. Review status: criteria provided, single submitter. Criteria: Invitae Variant Classification Sherloc (09022015). Collection method: clinical testing. Allele origin: germline.
Comment: This sequence change falls in intron 9 of the IL6ST gene. It does not directly change the encoded amino acid sequence of the IL6ST protein. This variant is present in population databases (rs762037933, gnomAD 0.01%). This variant has not been reported in the literature in individuals affected with IL6ST-related conditions. Algorithms developed to predict the effect of sequence changes on RNA splicing suggest that this variant may disrupt the consensus splice site. In summary, the available evidence is currently insufficient to determine the role of this variant in disease. Therefore, it has been classified as a Variant of Uncertain Significance.

NM_002184.4(IL6ST):c.1057-5T>G

Gene: IL6ST (interleukin 6 cytokine family signal transducer; minus strand). Cytogenetic location: 5q11.2.
Variant type: single nucleotide variant.
Coding change: c.1057-5T>G on transcript NM_002184.4 (MANE Select); 5 bases into the intron before coding-DNA position 1057, T replaced by G.
Molecular consequence: intron variant.
Genome position (GRCh38, 1-based): chr5:55,956,240, A>C on the plus strand (T>G on the coding strand, the complement: IL6ST is on the minus strand). VCF-style: chr5-55956240-A-C. GRCh37 (hg19) VCF-style: chr5-55252068-A-C.
Other names: c.847-5T>G (NM_001364276.2); c.61-5T>G (NM_001364279.2); c.154-5T>G (NM_001364278.2); c.190-5T>G (NM_001364277.2); c.974-5T>G (NM_175767.3); c.1057-5T>G (NM_001190981.2, NM_001364275.2).
Identifiers: ClinVar variation 3695175 (VCV003695175.2).